The following is an entry in ClinVar:

NM_130839.5(UBE3A):c.299C>T (p.Ala100Val)

Genes: SNHG14 (small nucleolar RNA host gene 14; plus strand), UBE3A (ubiquitin protein ligase E3A; minus strand). Cytogenetic location: 15q11.2.
Variant type: single nucleotide variant.
Coding change: c.299C>T on transcript NM_130839.5 (MANE Select); coding-DNA position 299, C replaced by T.
Protein change: p.Ala100Val; replaces alanine 100 with valine.
Molecular consequence: missense variant. On other transcripts: non-coding transcript variant (1).
Genome position (GRCh38, 1-based): chr15:25,375,527, G>A on the plus strand (C>T on the coding strand, the complement: UBE3A is on the minus strand). VCF-style: chr15-25375527-G-A. GRCh37 (hg19) VCF-style: chr15-25620674-G-A.
Other names: c.308C>T, p.Ala103Val (NM_000462.5); c.299C>T, p.Ala100Val (NM_001354505.1, NM_001354538.2, NM_001354545.2 and 1 more transcripts); c.239C>T, p.Ala80Val (NM_001354506.2, NM_001354507.2, NM_001354508.2 and 18 more transcripts); c.122C>T, p.Ala41Val (NM_001354546.2); short protein forms A100V, A80V, A41V, A103V.
Identifiers: ClinVar variation 1419512 (VCV001419512.8), dbSNP rs587783099, ClinGen allele CA294638.

ClinVar aggregate classification (germline): Uncertain significance (1 of 4 stars; one submission).

Conditions:
Angelman syndrome (AS). Also called: HAPPY PUPPET SYNDROME. Identifiers: Orphanet 72, MedGen C0162635, MONDO:0007113, OMIM 105830. Disease mechanism: loss of function. Inheritance: AS is caused by disruption of maternally imprinted UBE3A located within the 15q11.2-q13 Angelman syndrome/Prader-Willi syndrome (AS/PWS) region., imprinting disorder.

Allele frequency attached by ClinVar (database versions not stated): gnomAD 0.00001; TOPMed 0.00001; ExAC 0.00002; gnomAD exomes 0.00002.

Submission:

Labcorp Genetics (formerly Invitae), Labcorp
Classification: Uncertain significance for Angelman syndrome. Last evaluated: 2025-07-15. Review status: criteria provided, single submitter. Criteria: Invitae Variant Classification Sherloc (09022015). Collection method: clinical testing. Allele origin: germline.
Comment: This sequence change replaces alanine, which is neutral and non-polar, with valine, which is neutral and non-polar, at codon 80 of the UBE3A protein (p.Ala80Val). This variant is present in population databases (rs587783099, gnomAD 0.004%). This variant has not been reported in the literature in individuals affected with UBE3A-related conditions. ClinVar contains an entry for this variant (Variation ID: 1419512). Invitae Evidence Modeling of protein sequence and biophysical properties (such as structural, functional, and spatial information, amino acid conservation, physicochemical variation, residue mobility, and thermodynamic stability) has been performed for this missense variant. However, the output from this modeling did not meet the statistical confidence thresholds required to predict the impact of this variant on UBE3A protein function. In summary, the available evidence is currently insufficient to determine the role of this variant in disease. Therefore, it has been classified as a Variant of Uncertain Significance.